The following is an entry in ClinVar:

ClinVar aggregate classification (germline): Likely pathogenic (1 of 4 stars; one submission).

Conditions:
BLTP1-related disorder. Also called: BLTP1-related condition.

Allele frequency attached by ClinVar (database versions not stated): gnomAD exomes below 0.00001; gnomAD 0.00001.
gnomAD v4.1: 3 of 1,501,234 alleles (0.0002%); highest among the groups gnomAD compares: African/African-American, 0.0014%; no homozygotes.

Submission:

PreventionGenetics, part of Exact Sciences
Classification: Likely pathogenic for BLTP1-related condition. Last evaluated: 2023-09-13. Review status: criteria provided, single submitter. Criteria: ACMG Guidelines, 2015. Collection method: clinical testing. Allele origin: germline.
Comment: The BLTP1 c.10312+2T>C variant is predicted to disrupt the GT donor site and interfere with normal splicing. To our knowledge, this variant has not been reported in the literature. This variant is reported in 0.012% of alleles in individuals of African descent in gnomAD. Variants that disrupt the consensus splice donor site in BLTP1 are expected to be pathogenic. This variant is interpreted as likely pathogenic.

NM_001384125.1(BLTP1):c.10312+2T>C

Gene: BLTP1 (bridge-like lipid transfer protein family member 1; plus strand). Cytogenetic location: 4q27.
Variant type: single nucleotide variant.
Coding change: c.10312+2T>C on transcript NM_001384125.1 (MANE Select); the canonical splice donor site of the intron after coding-DNA position 10312, T replaced by C.
Molecular consequence: splice donor variant.
Genome position (GRCh38, 1-based): chr4:122,313,689, T>C. VCF-style: chr4-122313689-T-C. GRCh37 (hg19) VCF-style: chr4-123234844-T-C.
Other names: c.10312+2T>C (NM_015312.4).
Identifiers: ClinVar variation 2630724 (VCV002630724.1), dbSNP rs1280760946, ClinGen allele CA358087337.